The following is an entry in ClinVar:

NM_000875.5(IGF1R):c.1299C>G (p.Asp433Glu)

Gene: IGF1R (insulin like growth factor 1 receptor; plus strand). Cytogenetic location: 15q26.3.
Variant type: single nucleotide variant.
Coding change: c.1299C>G on transcript NM_000875.5 (MANE Select); coding-DNA position 1299, C replaced by G.
Protein change: p.Asp433Glu; replaces aspartic acid 433 with glutamic acid.
Molecular consequence: missense variant.
Genome position (GRCh38, 1-based): chr15:98,908,736, C>G. VCF-style: chr15-98908736-C-G. GRCh37 (hg19) VCF-style: chr15-99451965-C-G.
Other names: c.1299C>G, p.Asp433Glu (NM_001291858.2); short protein forms D433E.
Identifiers: ClinVar variation 2801420 (VCV002801420.3), dbSNP rs2151670142, ClinGen allele CA393675041.

ClinVar aggregate classification (germline): Uncertain significance (1 of 4 stars; one submission).

Submission:

Labcorp Genetics (formerly Invitae), Labcorp
Classification: Uncertain significance. Last evaluated: 2023-10-05. Review status: criteria provided, single submitter. Criteria: Invitae Variant Classification Sherloc (09022015). Collection method: clinical testing. Allele origin: germline.
Comment: This sequence change replaces aspartic acid, which is acidic and polar, with glutamic acid, which is acidic and polar, at codon 433 of the IGF1R protein (p.Asp433Glu). This variant is not present in population databases (gnomAD no frequency). This variant has not been reported in the literature in individuals affected with IGF1R-related conditions. Advanced modeling of protein sequence and biophysical properties (such as structural, functional, and spatial information, amino acid conservation, physicochemical variation, residue mobility, and thermodynamic stability) performed at Invitae indicates that this missense variant is not expected to disrupt IGF1R protein function. In summary, the available evidence is currently insufficient to determine the role of this variant in disease. Therefore, it has been classified as a Variant of Uncertain Significance.